The following is an entry in ClinVar:

NM_032520.5(GNPTG):c.742-1G>T

Gene: GNPTG (N-acetylglucosamine-1-phosphate transferase subunit gamma; plus strand). Cytogenetic location: 16p13.3.
Variant type: single nucleotide variant.
Coding change: c.742-1G>T on transcript NM_032520.5 (MANE Select); the canonical splice acceptor site of the intron before coding-DNA position 742, G replaced by T.
Molecular consequence: splice acceptor variant.
Genome position (GRCh38, 1-based): chr16:1,362,824, G>T. VCF-style: chr16-1362824-G-T. GRCh37 (hg19) VCF-style: chr16-1412825-G-T.
Identifiers: ClinVar variation 552977 (VCV000552977.23), dbSNP rs373976323, ClinGen allele CA7807931.

ClinVar aggregate classification (germline): Conflicting classifications of pathogenicity. Review status: criteria provided, conflicting classifications (1 of 4 stars). 6 submissions from 6 submitters: Likely pathogenic (4); Uncertain significance (1). 1 of the submissions does not count toward it. Last evaluated 2026-05-07.

Conditions:
GNPTG-related disorder. Also called: GNPTG-related condition.
GNPTG-mucolipidosis. Also called: Mucolipidosis type III gamma; MUCOLIPIDOSIS III, COMPLEMENTATION GROUP C; MUCOLIPIDOSIS III, IRANIAN VARIANT FORM; MUCOLIPIDOSIS III, VARIANT FORM; ML III GAMMA; ML IIIC. Identifiers: Orphanet 423470, Orphanet 577, MedGen C1854896, MONDO:0009652, OMIM 252605.

Allele frequency attached by ClinVar (database versions not stated): ExAC 0.00003; gnomAD 0.00003; TOPMed 0.00004; gnomAD exomes 0.00005; ESP Exome Variant Server 0.00008.
gnomAD v4.1: 42 of 1,613,846 alleles (0.0026%); highest among the groups gnomAD compares: Admixed American, 0.0017%; no homozygotes.

Submissions (7):

GeneDx
Classification: Uncertain significance. Last evaluated: 2026-05-07. Review status: criteria provided, single submitter. Criteria: GeneDx Variant Classification Process June 2021. Collection method: clinical testing. Allele origin: germline.
Comment: Canonical splice site variant predicted to result in a null allele in a gene for which loss of function is a known mechanism of disease; Has not been previously published as pathogenic or benign to our knowledge

Labcorp Genetics (formerly Invitae), Labcorp
Classification: Likely pathogenic. Last evaluated: 2026-01-04. Review status: criteria provided, single submitter. Criteria: Invitae Variant Classification Sherloc (09022015). Collection method: clinical testing. Allele origin: germline.
Comment: This sequence change affects an acceptor splice site in intron 9 of the GNPTG gene. It is expected to disrupt RNA splicing. Variants that disrupt the donor or acceptor splice site typically lead to a loss of protein function (PMID: 16199547), and loss-of-function variants in GNPTG are known to be pathogenic (PMID: 19370764, 20301784). This variant is present in population databases (rs373976323, gnomAD 0.1%). This variant has not been reported in the literature in individuals affected with GNPTG-related conditions. ClinVar contains an entry for this variant (Variation ID: 552977). Algorithms developed to predict the effect of sequence changes on RNA splicing suggest that this variant may disrupt the consensus splice site. In summary, the currently available evidence indicates that the variant is pathogenic, but additional data are needed to prove that conclusively. Therefore, this variant has been classified as Likely Pathogenic.

Natera, Inc.
Classification: Likely pathogenic for Mucolipidosis III gamma. Last evaluated: 2025-11-10. Review status: criteria provided, single submitter. Criteria: Natera Variant Classification Schema (03/2026). Collection method: clinical testing. Allele origin: germline.
Comment: The c.742-1G>T variant in GNPTG is a canonical splice acceptor site variant predicted to affect pre-mRNA splicing, which may result in an abnormal transcript and altered protein product. This variant is expected to result in nonsense mediated decay, truncation, or a dysfunctional protein product. This variant is rare in the general population with a frequency below the threshold expected for the associated phenotype(s). Given the available evidence, this variant is classified as Likely Pathogenic.

Blueprint Genetics
Classification: Likely pathogenic for GNPTG-related disorders. Last evaluated: 2023-06-05. Review status: criteria provided, single submitter. Criteria: ACMG Guidelines, 2015. Collection method: clinical testing. Allele origin: germline. Affected: yes. Observed: 2 variant alleles.

Genome-Nilou Lab
Classification: Likely pathogenic for GNPTG-mucolipidosis. Last evaluated: 2021-11-07. Review status: criteria provided, single submitter. Criteria: ACMG Guidelines, 2015. Collection method: clinical testing. Allele origin: germline. Affected: no.

Counsyl
Classification: Likely pathogenic for GNPTG-mucolipidosis. Last evaluated: 2017-08-03. Review status: no assertion criteria provided. Collection method: clinical testing. Allele origin: unknown. Not counted in ClinVar's aggregate classification.

Dr. Peter K. Rogan Lab, Western University
No classification provided (evidence only). Condition: Malignant tumor of urinary bladder. Review status: no classification provided. Collection method: in vitro. Allele origin: not applicable. Functional consequence: skipped exon, retained intron. Not counted in ClinVar's aggregate classification.

Literature cited by the submitters: PubMed 16199547 (cited by Labcorp Genetics (formerly Invitae), Labcorp); PubMed 19370764 (cited by Labcorp Genetics (formerly Invitae), Labcorp); PubMed 20301784 (cited by Labcorp Genetics (formerly Invitae), Labcorp).